The following is an entry in ClinVar:

ClinVar aggregate classification (germline): Benign/Likely benign. Review status: criteria provided, multiple submitters, no conflicts (2 of 4 stars). 4 submissions from 4 submitters: Benign (2); Likely benign (2). Last evaluated 2026-01-28.

Conditions:
Fanconi anemia (FA). Also called: Fanconi's anemia. Identifiers: Orphanet 84, MedGen C0015625, MeSH D005199, MONDO:0019391.
Fanconi anemia complementation group C (FANCC). Also called: FANCONI PANCYTOPENIA, TYPE 3; FACC; FANCC-Related Fanconi Anemia; Fanconi anemia, group C. Identifiers: Orphanet 84, MedGen C3468041, MONDO:0009213, OMIM 227645.

Allele frequency attached by ClinVar (database versions not stated): gnomAD exomes 0.00006 and 0.00011; ExAC 0.00009; gnomAD 0.00009; TOPMed 0.00010; ESP Exome Variant Server 0.00031.
gnomAD v4.1: 147 of 1,402,446 alleles (0.01%); highest among the groups gnomAD compares: Non-Finnish European, 0.013%; no homozygotes.

Submissions (4):

Labcorp Genetics (formerly Invitae), Labcorp
Classification: Likely benign for Fanconi anemia. Last evaluated: 2026-01-28. Review status: criteria provided, single submitter. Criteria: Invitae Variant Classification Sherloc (09022015). Collection method: clinical testing. Allele origin: germline.

KCCC/NGS Laboratory, Kuwait Cancer Control Center
Classification: Benign for Fanconi anemia complementation group C. Last evaluated: 2023-07-07. Review status: criteria provided, single submitter. Criteria: ACMG Guidelines, 2015. Collection method: clinical testing. Allele origin: germline. Affected: yes.

Fulgent Genetics
Classification: Likely benign for Fanconi anemia complementation group C. Last evaluated: 2021-12-03. Review status: criteria provided, single submitter. Criteria: ACMG Guidelines, 2015. Collection method: clinical testing. Allele origin: unknown.

GeneDx
Classification: Benign. Last evaluated: 2014-10-07. Review status: criteria provided, single submitter. Criteria: GeneDx Variant Classification (06012015). Collection method: clinical testing. Allele origin: germline. Affected: yes.
Comment: This variant is considered likely benign or benign based on one or more of the following criteria: it is a conservative change, it occurs at a poorly conserved position in the protein, it is predicted to be benign by multiple in silico algorithms, and/or has population frequency not consistent with disease.

NM_000136.3(FANCC):c.251-20T>C

Gene: FANCC (FA complementation group C; minus strand). Cytogenetic location: 9q22.32.
Variant type: single nucleotide variant.
Coding change: c.251-20T>C on transcript NM_000136.3 (MANE Select); 20 bases into the intron before coding-DNA position 251, T replaced by C.
Molecular consequence: intron variant.
Genome position (GRCh38, 1-based): chr9:95,240,763, A>G on the plus strand (T>C on the coding strand, the complement: FANCC is on the minus strand). VCF-style: chr9-95240763-A-G. GRCh37 (hg19) VCF-style: chr9-98003045-A-G.
Other names: c.251-20T>C (NM_001243743.2, NM_001243744.2).
Identifiers: ClinVar variation 182502 (VCV000182502.10), dbSNP rs370867462, ClinGen allele CA299229.